The following is an entry in ClinVar:

NM_014254.3(RXYLT1):c.696C>G (p.Pro232=)

Gene: RXYLT1 (ribitol xylosyltransferase 1; plus strand). Cytogenetic location: 12q14.2.
Variant type: single nucleotide variant.
Coding change: c.696C>G on transcript NM_014254.3 (MANE Select); coding-DNA position 696, C replaced by G.
Protein change: p.Pro232=; no amino-acid change (proline 232 retained).
Molecular consequence: synonymous variant. On other transcripts: 5 prime UTR variant (1).
Genome position (GRCh38, 1-based): chr12:63,802,358, C>G. VCF-style: chr12-63802358-C-G. GRCh37 (hg19) VCF-style: chr12-64196138-C-G.
Other names: c.-85C>G (NM_001278237.2).
Identifiers: ClinVar variation 3898450 (VCV003898450.7).

ClinVar aggregate classification (germline): Likely benign (1 of 4 stars; one submission).

gnomAD v4.1: 1 of 1,600,518 alleles (0.000062%); highest among the groups gnomAD compares: Non-Finnish European, 0.000085%; no homozygotes.

Submission:

CeGaT Center for Human Genetics Tuebingen
Classification: Likely benign. Last evaluated: 2025-04-01. Review status: criteria provided, single submitter. Criteria: CeGaT Center For Human Genetics Tuebingen Variant Classification Criteria Version 2. Collection method: clinical testing. Allele origin: germline. Affected: yes. Observed: 1 variant allele.
Comment: RXYLT1: BP4, BP7